The following is an entry in ClinVar:

NM_014319.5(LEMD3):c.1438G>A (p.Ala480Thr)

Gene: LEMD3 (LEM domain containing 3; plus strand). Cytogenetic location: 12q14.3.
Variant type: single nucleotide variant.
Coding change: c.1438G>A on transcript NM_014319.5 (MANE Select); coding-DNA position 1438, G replaced by A.
Protein change: p.Ala480Thr; replaces alanine 480 with threonine.
Molecular consequence: missense variant.
Genome position (GRCh38, 1-based): chr12:65,171,034, G>A. VCF-style: chr12-65171034-G-A. GRCh37 (hg19) VCF-style: chr12-65564814-G-A.
Other names: c.1438G>A, p.Ala480Thr (NM_001167614.2); short protein forms A480T.
Identifiers: ClinVar variation 4775286 (VCV004775286.1).

ClinVar aggregate classification (germline): Uncertain significance (1 of 4 stars; one submission).

Submission:

Labcorp Genetics (formerly Invitae), Labcorp
Classification: Uncertain significance. Last evaluated: 2025-03-09. Review status: criteria provided, single submitter. Criteria: Invitae Variant Classification Sherloc (09022015). Collection method: clinical testing. Allele origin: germline.
Comment: This sequence change replaces alanine, which is neutral and non-polar, with threonine, which is neutral and polar, at codon 480 of the LEMD3 protein (p.Ala480Thr). This variant is present in population databases (rs758680061, gnomAD 0.0009%). This variant has not been reported in the literature in individuals affected with LEMD3-related conditions. Invitae Evidence Modeling of protein sequence and biophysical properties (such as structural, functional, and spatial information, amino acid conservation, physicochemical variation, residue mobility, and thermodynamic stability) indicates that this missense variant is not expected to disrupt LEMD3 protein function with a negative predictive value of 80%. In summary, the available evidence is currently insufficient to determine the role of this variant in disease. Therefore, it has been classified as a Variant of Uncertain Significance.